The following is an entry in ClinVar:

ClinVar aggregate classification (germline): Pathogenic. Review status: criteria provided, single submitter (1 of 4 stars). 2 submissions from 2 submitters: Pathogenic (1). 1 of the submissions does not count toward it. Last evaluated 2022-10-28.

Conditions:
Tuberous sclerosis 2 (TSC2). Identifiers: Orphanet 805, MedGen C1860707, MONDO:0013199, OMIM 613254.
Tuberous sclerosis syndrome (TSC). Also called: Tuberous Sclerosis Complex; Tuberous sclerosis. Identifiers: Orphanet 805, MedGen C0041341, MONDO:0001734.

Submissions (2):

Labcorp Genetics (formerly Invitae), Labcorp
Classification: Pathogenic for Tuberous sclerosis 2. Last evaluated: 2022-10-28. Review status: criteria provided, single submitter. Criteria: Invitae Variant Classification Sherloc (09022015). Collection method: clinical testing. Allele origin: germline.
Comment: This sequence change affects an acceptor splice site in intron 22 of the TSC2 gene. It is expected to disrupt RNA splicing. Variants that disrupt the donor or acceptor splice site typically lead to a loss of protein function (PMID: 16199547), and loss-of-function variants in TSC2 are known to be pathogenic (PMID: 10205261, 17304050). This variant is not present in population databases (gnomAD no frequency). Disruption of this splice site has been observed in individual(s) with clinical features of tuberous sclerosis complex (PMID: 16981987, 21520333, 29432982, 32461669). ClinVar contains an entry for this variant (Variation ID: 49570). Algorithms developed to predict the effect of sequence changes on RNA splicing suggest that this variant may disrupt the consensus splice site. For these reasons, this variant has been classified as Pathogenic.

Tuberous sclerosis database (TSC2)
No classification provided. Condition: TSC. Review status: no classification provided. Criteria: Tuberous Sclerosis Database Assertion Criteria 2015. Collection method: curation. Allele origin: germline. Affected: yes. Not counted in ClinVar's aggregate classification.

Literature cited by the submitters: PubMed 16199547 (cited by Labcorp Genetics (formerly Invitae), Labcorp); PubMed 10205261 (cited by Labcorp Genetics (formerly Invitae), Labcorp); PubMed 17304050 (cited by Labcorp Genetics (formerly Invitae), Labcorp); PubMed 16981987 (cited by Labcorp Genetics (formerly Invitae), Labcorp); PubMed 21520333 (cited by Labcorp Genetics (formerly Invitae), Labcorp); PubMed 29432982 (cited by Labcorp Genetics (formerly Invitae), Labcorp); PubMed 32461669 (cited by Labcorp Genetics (formerly Invitae), Labcorp).

NM_000548.5(TSC2):c.2546-1G>C

Gene: TSC2 (TSC complex subunit 2; plus strand). Cytogenetic location: 16p13.3.
Variant type: single nucleotide variant.
Coding change: c.2546-1G>C on transcript NM_000548.5 (MANE Select); the canonical splice acceptor site of the intron before coding-DNA position 2546, G replaced by C.
Molecular consequence: splice acceptor variant.
Genome position (GRCh38, 1-based): chr16:2,075,798, G>C. VCF-style: chr16-2075798-G-C. GRCh37 (hg19) VCF-style: chr16-2125799-G-C.
Other names: c.1202-1G>C (NM_001406693.1, NM_001406689.1, NM_001406690.1 and 6 more transcripts); c.2636-1G>C (NM_001406667.1, NM_001406668.1); c.1946-1G>C (NM_001406680.1, NM_001406683.1, NM_001406687.1 and 6 more transcripts); c.944-1G>C (NM_001406698.1); c.2546-1G>C (NM_001114382.3, NM_001406663.1, NM_001406664.1 and 6 more transcripts); c.2534-1G>C (NM_001406671.1, NM_001406673.1); c.2084-1G>C (NM_001406681.1); c.2435-1G>C (NM_001406670.1, NM_001318827.2, NM_001406678.1); and 3 more.
Identifiers: ClinVar variation 49570 (VCV000049570.11), dbSNP rs45468292, ClinGen allele CA017646.